The following is an entry in ClinVar:

NM_001852.4(COL9A2):c.367C>T (p.Pro123Ser)

Gene: COL9A2 (collagen type IX alpha 2 chain; minus strand). Cytogenetic location: 1p34.2.
Variant type: single nucleotide variant.
Coding change: c.367C>T on transcript NM_001852.4 (MANE Select); coding-DNA position 367, C replaced by T.
Protein change: p.Pro123Ser; replaces proline 123 with serine.
Molecular consequence: missense variant.
Genome position (GRCh38, 1-based): chr1:40,312,109, G>A on the plus strand (C>T on the coding strand, the complement: COL9A2 is on the minus strand). VCF-style: chr1-40312109-G-A. GRCh37 (hg19) VCF-style: chr1-40777781-G-A.
Other names: c.367C>T (NM_001852.3); short protein forms P123S.
Identifiers: ClinVar variation 1982515 (VCV001982515.6), dbSNP rs369407377, ClinGen allele CA791962.

ClinVar aggregate classification (germline): Uncertain significance. Review status: criteria provided, multiple submitters, no conflicts (2 of 4 stars). 2 submissions from 2 submitters: Uncertain significance (2). Last evaluated 2024-09-03.

Conditions:
Inborn genetic diseases. Identifiers: MedGen C0950123, MeSH D030342.

Allele frequency attached by ClinVar (database versions not stated): gnomAD exomes below 0.00001; TOPMed below 0.00001; ExAC 0.00003; ESP Exome Variant Server 0.00008.
gnomAD v4.1: 3 of 1,600,660 alleles (0.00019%); highest among the groups gnomAD compares: East Asian, 0.0023%; no homozygotes.

Submissions (2):

Labcorp Genetics (formerly Invitae), Labcorp
Classification: Uncertain significance. Last evaluated: 2024-09-03. Review status: criteria provided, single submitter. Criteria: Invitae Variant Classification Sherloc (09022015). Collection method: clinical testing. Allele origin: germline.
Comment: This sequence change replaces proline, which is neutral and non-polar, with serine, which is neutral and polar, at codon 123 of the COL9A2 protein (p.Pro123Ser). This variant is present in population databases (rs369407377, gnomAD 0.007%). This variant has not been reported in the literature in individuals affected with COL9A2-related conditions. ClinVar contains an entry for this variant (Variation ID: 1982515). Invitae Evidence Modeling of protein sequence and biophysical properties (such as structural, functional, and spatial information, amino acid conservation, physicochemical variation, residue mobility, and thermodynamic stability) indicates that this missense variant is not expected to disrupt COL9A2 protein function with a negative predictive value of 95%. In summary, the available evidence is currently insufficient to determine the role of this variant in disease. Therefore, it has been classified as a Variant of Uncertain Significance.

Ambry Genetics
Classification: Uncertain significance for Inborn genetic diseases. Last evaluated: 2023-08-20. Review status: criteria provided, single submitter. Criteria: Ambry Variant Classification Scheme 2023. Collection method: clinical testing. Allele origin: germline.